The following is an entry in ClinVar:

NM_001082486.2(ACD):c.100G>A (p.Val34Ile)

Gene: ACD (ACD shelterin complex subunit and telomerase recruitment factor; minus strand). Cytogenetic location: 16q22.1.
Variant type: single nucleotide variant.
Coding change: c.100G>A on transcript NM_001082486.2 (MANE Select); coding-DNA position 100, G replaced by A.
Protein change: p.Val34Ile; replaces valine 34 with isoleucine.
Molecular consequence: missense variant. On other transcripts: intron variant (1).
Genome position (GRCh38, 1-based): chr16:67,660,045, C>T on the plus strand (G>A on the coding strand, the complement: ACD is on the minus strand). VCF-style: chr16-67660045-C-T. GRCh37 (hg19) VCF-style: chr16-67693948-C-T.
Other names: c.100-9G>A (NM_022914.3); short protein forms V34I.
Identifiers: ClinVar variation 973878 (VCV000973878.1), dbSNP rs2052973227, ClinGen allele CA396358061.
Genomic context (GRCh38, chr16:67,660,045, plus strand): 5'-CGTCGGACGTATCAGGGGCGTGGGATGGGCCCGCGACCGCGGCCTCGGCGTCCTGTAGTA[C>T]CTGACGGCGGCGAGCGGCGTCAATCCCACCACCCCGGGCCTCCGCCTCGGTCTCCGGGCC-3'
Protein context (NP_001075955.2, residues 24-44): SSPRAGQLLE[Val34Ile]LQDAEAAVAG

ClinVar aggregate classification (germline): Uncertain significance (1 of 4 stars; one submission).

Conditions:
Dyskeratosis congenita, autosomal dominant 6 (DKCA6). Identifiers: Orphanet 3322, MedGen C4225284, MONDO:0014690, OMIM 616553.

Submission:

Johns Hopkins Genomics, Johns Hopkins University
Classification: Uncertain significance for Dyskeratosis congenita, autosomal dominant 6. Last evaluated: 2020-02-07. Review status: criteria provided, single submitter. Criteria: ACMG Guidelines, 2015. Collection method: clinical testing. Allele origin: germline.
Comment: This ACD variant (rs142662151) is present in a large population datasets (gnomAD: 95/264426 total alleles; 0.03593%; no homozygotes). A single submitter in ClinVar classifies this variant as uncertain. Two bioinformatic tools queried predict that this substitution would be tolerated, and the aspartic acid residue at this position is not evolutionarily conserved across species assessed. Bioinformatic analysis predicts that this misssense variant would not affect normal exon 2 splicing, although this has not been confirmed experimentally to our knowledge. Due to lack of segregation and functional data, we consider the clinical significance of c.358G>A to be uncertain at this time.

Literature cited by the submitters: PubMed 31515401.